The following is an entry in ClinVar:

ClinVar aggregate classification (germline): Likely benign (0 of 4 stars; one submission).

Conditions:
ELN-related disorder.

Allele frequency attached by ClinVar (database versions not stated): gnomAD exomes below 0.00001; gnomAD 0.00001; TOPMed 0.00001; ExAC 0.00002.
gnomAD v4.1: 4 of 1,552,882 alleles (0.00026%); highest among the groups gnomAD compares: East Asian, 0.009%; no homozygotes.

Submission:

PreventionGenetics, part of Exact Sciences
Classification: Likely benign for ELN-related condition. Last evaluated: 2020-11-16. Review status: no assertion criteria provided. Collection method: clinical testing. Allele origin: germline.
Comment: This variant is classified as likely benign based on ACMG/AMP sequence variant interpretation guidelines (Richards et al. 2015 PMID: 25741868, with internal and published modifications).

NM_000501.4(ELN):c.1358-176G>A

Gene: ELN (elastin; plus strand). Cytogenetic location: 7q11.23.
Variant type: single nucleotide variant.
Coding change: c.1358-176G>A on transcript NM_000501.4 (MANE Select); 176 bases into the intron before coding-DNA position 1358, G replaced by A.
Molecular consequence: intron variant. On other transcripts: synonymous variant (1).
Genome position (GRCh38, 1-based): chr7:74,057,464, G>A. VCF-style: chr7-74057464-G-A. GRCh37 (hg19) VCF-style: chr7-73471794-G-A.
Other names: c.1440G>A, p.Val480= (NM_001278939.2); c.1373-176G>A (NM_001081754.3); c.1372+751G>A (NM_001081753.3); c.1358-176G>A (NM_001278915.2, NM_001278912.2); c.1357+751G>A (NM_001081755.3); c.1315+751G>A (NM_001278916.2); c.1171+751G>A (NM_001278913.2); c.1342+751G>A (NM_001278914.2); and 3 more.
Identifiers: ClinVar variation 3052586 (VCV003052586.2), dbSNP rs782510791, ClinGen allele CA4292997.